The following is an entry in ClinVar:

ClinVar aggregate classification (germline): Uncertain significance. Review status: criteria provided, multiple submitters, no conflicts (2 of 4 stars). 2 submissions from 2 submitters: Uncertain significance (2). Last evaluated 2025-03-02.

Conditions:
Inborn genetic diseases. Identifiers: MedGen C0950123, MeSH D030342.

Submissions (2):

Ambry Genetics
Classification: Uncertain significance for Inborn genetic diseases. Last evaluated: 2025-03-02. Review status: criteria provided, single submitter. Criteria: Ambry Variant Classification Scheme 2023. Collection method: clinical testing. Allele origin: germline.
Comment: The p.Q37E variant (also known as c.109C>G), located in coding exon 1 of the ANKRD26 gene, results from a C to G substitution at nucleotide position 109. The glutamine at codon 37 is replaced by glutamic acid, an amino acid with highly similar properties. This amino acid position is conserved. In addition, this alteration is predicted to be tolerated by in silico analysis. Based on the available evidence, the clinical significance of this variant remains unclear.

Labcorp Genetics (formerly Invitae), Labcorp
Classification: Uncertain significance. Last evaluated: 2023-05-25. Review status: criteria provided, single submitter. Criteria: Invitae Variant Classification Sherloc (09022015). Collection method: clinical testing. Allele origin: germline.
Comment: In summary, the available evidence is currently insufficient to determine the role of this variant in disease. Therefore, it has been classified as a Variant of Uncertain Significance. An algorithm developed to predict the effect of missense changes on protein structure and function (PolyPhen-2) suggests that this variant is likely to be tolerated. This variant has not been reported in the literature in individuals affected with ANKRD26-related conditions. This variant is not present in population databases (gnomAD no frequency). This sequence change replaces glutamine, which is neutral and polar, with glutamic acid, which is acidic and polar, at codon 37 of the ANKRD26 protein (p.Gln37Glu).

NM_014915.3(ANKRD26):c.109C>G (p.Gln37Glu)

Genes: ANKRD26 (ankyrin repeat domain 26; minus strand), LOC130003554 (ATAC-STARR-seq lymphoblastoid silent region 2243; plus strand). Cytogenetic location: 10p12.1.
Variant type: single nucleotide variant.
Coding change: c.109C>G on transcript NM_014915.3 (MANE Select); coding-DNA position 109, C replaced by G.
Protein change: p.Gln37Glu; replaces glutamine 37 with glutamic acid.
Molecular consequence: missense variant.
Genome position (GRCh38, 1-based): chr10:27,100,218, G>C on the plus strand (C>G on the coding strand, the complement: ANKRD26 is on the minus strand). VCF-style: chr10-27100218-G-C. GRCh37 (hg19) VCF-style: chr10-27389147-G-C.
Other names: c.109C>G, p.Gln37Glu (NM_001256053.2); short protein forms Q37E.
Identifiers: ClinVar variation 2905418 (VCV002905418.4), dbSNP rs950135094, ClinGen allele CA376369802.
Genomic context (GRCh38, chr10:27,100,218, plus strand): 5'-CCGCGCTGGCAGCTTTGTGGATCTTGCCGAGATCTCGGTCTCGGACGTGGTAGCCGGGCT[G>C]CGAGTAGGCGCCCTCCCCCGGCTCGCCCCCGCCTCCCGCGCTGCTCCTCTGCCGCCGCGC-3'
Protein context (NP_055730.2, residues 27-47): GGEPGEGAYS[Gln37Glu]PGYHVRDRDL